The following is an entry in ClinVar:

ClinVar aggregate classification (germline): Uncertain significance (1 of 4 stars; one submission).

Conditions:
Tuberous sclerosis 1 (TSC1). Identifiers: Orphanet 805, MedGen C1854465, MONDO:0008612, OMIM 191100.

Submission:

Labcorp Genetics (formerly Invitae), Labcorp
Classification: Uncertain significance for Tuberous sclerosis 1. Last evaluated: 2022-07-22. Review status: criteria provided, single submitter. Criteria: Invitae Variant Classification Sherloc (09022015). Collection method: clinical testing. Allele origin: germline.
Comment: In summary, the available evidence is currently insufficient to determine the role of this variant in disease. Therefore, it has been classified as a Variant of Uncertain Significance. Algorithms developed to predict the effect of sequence changes on RNA splicing suggest that this variant is not likely to affect RNA splicing. This variant has not been reported in the literature in individuals affected with TSC1-related conditions. This variant is not present in population databases (gnomAD no frequency). This sequence change affects codon 343 of the TSC1 mRNA. It is a 'silent' change, meaning that it does not change the encoded amino acid sequence of the TSC1 protein. It affects a nucleotide within the consensus splice site.

NM_000368.5(TSC1):c.1029A>G (p.Gln343=)

Gene: TSC1 (TSC complex subunit 1; minus strand). Cytogenetic location: 9q34.13.
Variant type: single nucleotide variant.
Coding change: c.1029A>G on transcript NM_000368.5 (MANE Select); coding-DNA position 1029, A replaced by G.
Protein change: p.Gln343=; no amino-acid change (glutamine 343 retained).
Molecular consequence: synonymous variant. On other transcripts: 5 prime UTR variant (2), non-coding transcript variant (5).
Genome position (GRCh38, 1-based): chr9:132,911,453, T>C on the plus strand (A>G on the coding strand, the complement: TSC1 is on the minus strand). VCF-style: chr9-132911453-T-C. GRCh37 (hg19) VCF-style: chr9-135786840-T-C.
Other names: c.1029A>G, p.Gln343= (NM_001162426.2, NM_001406592.1, NM_001406593.1 and 16 more transcripts); c.876A>G, p.Gln292= (NM_001162427.2, NM_001406610.1, NM_001406611.1 and 2 more transcripts); c.666A>G, p.Gln222= (NM_001362177.2, NM_001406614.1, NM_001406615.1 and 10 more transcripts); c.78A>G, p.Gln26= (NM_001406626.1, NM_001406627.1, NM_001406628.1); c.-65A>G (NM_001406629.1, NM_001406630.1).
Identifiers: ClinVar variation 2417004 (VCV002417004.7), dbSNP rs2538863636, ClinGen allele CA467593429.
Genomic context (GRCh38, chr9:132,911,453, plus strand): 5'-CAAAGGGTCAGCTTCACCAGAAAGCAGAGGAGAGAGCAGGCACACTAGTTGACACCATAC[T>C]TGTGGTGGTTCAGTTATCAGCCGTGTCGATGGGGAACTCAGAGTCTGAGGTAGCTGCCCT-3'
Protein context (NP_000359.1, residues 333-353): PSTRLITEPP[Gln343=]ATLWSPSMVC